The following is an entry in ClinVar:

ClinVar aggregate classification (germline): Uncertain significance. Review status: criteria provided, multiple submitters, no conflicts (2 of 4 stars). 2 submissions from 2 submitters: Uncertain significance (2). Last evaluated 2026-09-01.

Conditions:
Peroxisome biogenesis disorder. Identifiers: Orphanet 79189, MedGen C1832200, MONDO:0019234. Disease mechanism: loss of function.

Submissions (2):

CeGaT Center for Human Genetics Tuebingen
Classification: Uncertain significance. Last evaluated: 2026-09-01. Review status: criteria provided, single submitter. Criteria: CeGaT Center For Human Genetics Tuebingen Variant Classification Criteria Version 2. Collection method: clinical testing. Allele origin: germline. Affected: yes. Observed: 1 variant allele.
Comment: PEX6: PM2, BP4

Labcorp Genetics (formerly Invitae), Labcorp
Classification: Uncertain significance for Peroxisome biogenesis disorder. Last evaluated: 2022-07-16. Review status: criteria provided, single submitter. Criteria: Invitae Variant Classification Sherloc (09022015). Collection method: clinical testing. Allele origin: germline.
Comment: In summary, the available evidence is currently insufficient to determine the role of this variant in disease. Therefore, it has been classified as a Variant of Uncertain Significance. Algorithms developed to predict the effect of sequence changes on RNA splicing suggest that this variant may create or strengthen a splice site. Algorithms developed to predict the effect of missense changes on protein structure and function are either unavailable or do not agree on the potential impact of this missense change (SIFT: "Deleterious"; PolyPhen-2: "Possibly Damaging"; Align-GVGD: "Class C0"). ClinVar contains an entry for this variant (Variation ID: 1522525). This variant has not been reported in the literature in individuals affected with PEX6-related conditions. This variant is not present in population databases (gnomAD no frequency). This sequence change replaces alanine, which is neutral and non-polar, with valine, which is neutral and non-polar, at codon 624 of the PEX6 protein (p.Ala624Val).

NM_000287.4(PEX6):c.1871C>T (p.Ala624Val)

Gene: PEX6 (peroxisomal biogenesis factor 6; minus strand). Cytogenetic location: 6p21.1.
Variant type: single nucleotide variant.
Coding change: c.1871C>T on transcript NM_000287.4 (MANE Select); coding-DNA position 1871, C replaced by T.
Protein change: p.Ala624Val; replaces alanine 624 with valine.
Molecular consequence: missense variant. On other transcripts: non-coding transcript variant (1).
Genome position (GRCh38, 1-based): chr6:42,967,381, G>A on the plus strand (C>T on the coding strand, the complement: PEX6 is on the minus strand). VCF-style: chr6-42967381-G-A. GRCh37 (hg19) VCF-style: chr6-42935119-G-A.
Other names: c.1607C>T, p.Ala536Val (NM_001316313.2); short protein forms A624V, A536V.
Identifiers: ClinVar variation 1522525 (VCV001522525.7), dbSNP rs2114242326, ClinGen allele CA364153373.